The following is an entry in ClinVar:

NM_000785.4(CYP27B1):c.33_34del (p.Phe12fs)

Gene: CYP27B1 (cytochrome P450 family 27 subfamily B member 1; minus strand). Cytogenetic location: 12q14.1.
Variant type: Microsatellite.
Coding change: c.33_34del on transcript NM_000785.4 (MANE Select); coding-DNA positions 33 to 34, 2 bases deleted (GT; older notation c.33_34delGT).
Protein change: p.Phe12fs; shifts the reading frame from phenylalanine 12.
Molecular consequence: frameshift variant.
Genome position (GRCh38, 1-based): chr12:57,767,008-57,767,009, AC deleted on the plus strand (GT on the coding strand, the reverse complement: CYP27B1 is on the minus strand); deleting any 2 consecutive bases within chr12:57,767,008-57,767,011 gives the same sequence; the c. name uses the placement nearest the transcript's 3' end. VCF-style (leftmost placement, unchanged base first): chr12-57767007-AAC-A. GRCh37 (hg19) VCF-style: chr12-58160790-AAC-A.
Other names: short protein forms F12fs.
Identifiers: ClinVar variation 3653394 (VCV003653394.2).

ClinVar aggregate classification (germline): Pathogenic (1 of 4 stars; one submission).

Submission:

Labcorp Genetics (formerly Invitae), Labcorp
Classification: Pathogenic. Last evaluated: 2024-05-14. Review status: criteria provided, single submitter. Criteria: Invitae Variant Classification Sherloc (09022015). Collection method: clinical testing. Allele origin: germline.
Comment: This sequence change creates a premature translational stop signal (p.Phe12Profs*320) in the CYP27B1 gene. It is expected to result in an absent or disrupted protein product. Loss-of-function variants in CYP27B1 are known to be pathogenic (PMID: 9837822, 17488797). This variant is not present in population databases (gnomAD no frequency). This variant has not been reported in the literature in individuals affected with CYP27B1-related conditions. For these reasons, this variant has been classified as Pathogenic.

Literature cited by the submitters: PubMed 9837822; PubMed 17488797.